The following is an entry in ClinVar:

NM_001081.4(CUBN):c.7489C>T (p.Leu2497=)

Gene: CUBN (cubilin; minus strand). Cytogenetic location: 10p13.
Variant type: single nucleotide variant.
Coding change: c.7489C>T on transcript NM_001081.4 (MANE Select); coding-DNA position 7489, C replaced by T.
Protein change: p.Leu2497=; no amino-acid change (leucine 2497 retained).
Molecular consequence: synonymous variant.
Genome position (GRCh38, 1-based): chr10:16,913,855, G>A on the plus strand (C>T on the coding strand, the complement: CUBN is on the minus strand). VCF-style: chr10-16913855-G-A. GRCh37 (hg19) VCF-style: chr10-16955854-G-A.
Identifiers: ClinVar variation 3053969 (VCV003053969.2), dbSNP rs780824225, ClinGen allele CA468301104.

ClinVar aggregate classification (germline): Likely benign (0 of 4 stars; one submission).

Conditions:
CUBN-related disorder. Also called: CUBN-related condition.

gnomAD v4.1: 14 of 1,614,100 alleles (0.00087%); highest among the groups gnomAD compares: Admixed American, 0.015%; no homozygotes.

Submission:

PreventionGenetics, part of Exact Sciences
Classification: Likely benign for CUBN-related condition. Last evaluated: 2021-06-10. Review status: no assertion criteria provided. Collection method: clinical testing. Allele origin: germline.
Comment: This variant is classified as likely benign based on ACMG/AMP sequence variant interpretation guidelines (Richards et al. 2015 PMID: 25741868, with internal and published modifications).